The following is an entry in ClinVar:

NM_030653.4(DDX11):c.1730A>G (p.Asn577Ser)

Gene: DDX11 (DEAD/H-box helicase 11; plus strand). Cytogenetic location: 12p11.21.
Variant type: single nucleotide variant.
Coding change: c.1730A>G on transcript NM_030653.4 (MANE Select); coding-DNA position 1730, A replaced by G.
Protein change: p.Asn577Ser; replaces asparagine 577 with serine.
Molecular consequence: missense variant. On other transcripts: non-coding transcript variant (4).
Genome position (GRCh38, 1-based): chr12:31,096,958, A>G. VCF-style: chr12-31096958-A-G. GRCh37 (hg19) VCF-style: chr12-31249892-A-G.
Other names: c.1730A>G, p.Asn577Ser (NM_001257144.2, NM_001413692.1, NM_001413693.1 and 5 more transcripts); c.1652A>G, p.Asn551Ser (NM_001257145.2, NM_001413697.1, NM_001413698.1 and 1 more transcripts); c.1643A>G, p.Asn548Ser (NM_001413700.1); c.1202A>G, p.Asn401Ser (NM_001413702.1, NM_001413703.1); c.869A>G, p.Asn290Ser (NM_001413704.1, NM_001413705.1); c.764A>G, p.Asn255Ser (NM_001413706.1); short protein forms N255S, N401S, N548S, N577S, N290S, N551S.
Identifiers: ClinVar variation 2457190 (VCV002457190.5), dbSNP rs150142916, ClinGen allele CA6501468.
Genomic context (GRCh38, chr12:31,096,958, plus strand): 5'-TGCGACCAGCTTCTCCACTGATGCACATCCAAGGCTTCCTGGCAGCTCTCACTACGGCCA[A>G]CCAGGACGGCAGGGTCATCCTGAGCCGCCAAGGTAATCAGGTGGTTCTTGGCCAGGTTCA-3'
Protein context (NP_085911.2, residues 567-587): QGFLAALTTA[Asn577Ser]QDGRVILSRQ

ClinVar aggregate classification (germline): Uncertain significance. Review status: criteria provided, multiple submitters, no conflicts (2 of 4 stars). 2 submissions from 2 submitters: Uncertain significance (2). Last evaluated 2025-11-08.

Conditions:
Inborn genetic diseases. Identifiers: MedGen C0950123, MeSH D030342.

Allele frequency attached by ClinVar (database versions not stated): gnomAD exomes 0.00042; ExAC 0.00014; TOPMed 0.00014; ESP Exome Variant Server 0.00015; 1000 Genomes Project 30x 0.00016; gnomAD 0.00019; 1000 Genomes Project 0.00020.
gnomAD v4.1: 634 of 1,613,956 alleles (0.039%); highest among the groups gnomAD compares: Non-Finnish European, 0.051%; 1 homozygote.

Submissions (2):

GeneDx
Classification: Uncertain significance. Last evaluated: 2025-11-08. Review status: criteria provided, single submitter. Criteria: GeneDx Variant Classification Process June 2021. Collection method: clinical testing. Allele origin: germline.
Comment: In silico analysis suggests that this missense variant does not alter protein structure/function; Has not been previously published as pathogenic or benign to our knowledge

Ambry Genetics
Classification: Uncertain significance for Inborn genetic diseases. Last evaluated: 2025-08-05. Review status: criteria provided, single submitter. Criteria: Ambry Variant Classification Scheme 2023. Collection method: clinical testing. Allele origin: germline.